The following is an entry in ClinVar:

NM_022367.4(SEMA4A):c.782dup (p.His261fs)

Gene: SEMA4A (semaphorin 4A; plus strand). Cytogenetic location: 1q22.
Variant type: Duplication.
Coding change: c.782dup on transcript NM_022367.4 (MANE Select); coding-DNA position 782, one base duplicated (A; older notation c.782dupA).
Protein change: p.His261fs; shifts the reading frame from histidine 261.
Molecular consequence: frameshift variant.
Genome position (GRCh38, 1-based): chr1:156,161,001, A duplicated. VCF-style (leftmost placement, unchanged base first): chr1-156161000-C-CA. GRCh37 (hg19) VCF-style: chr1-156130791-C-CA.
Other names: c.782dup, p.His261fs (NM_001193300.2, NM_001193301.2, NM_001370567.1); c.386dup, p.His129fs (NM_001193302.2); c.485dup, p.His162fs (NM_001370568.1); c.275dup, p.His92fs (NM_001370569.1, NM_001370571.1); short protein forms H129fs, H162fs, H261fs, H92fs.
Identifiers: ClinVar variation 1005369 (VCV001005369.8), dbSNP rs765450841, ClinGen allele CA1155141.

ClinVar aggregate classification (germline): Uncertain significance (1 of 4 stars; one submission).

Allele frequency attached by ClinVar (database versions not stated): gnomAD exomes below 0.00001 and 0.00001; TOPMed below 0.00001; ExAC 0.00001.

Submission:

Labcorp Genetics (formerly Invitae), Labcorp
Classification: Uncertain significance. Last evaluated: 2024-07-22. Review status: criteria provided, single submitter. Criteria: Invitae Variant Classification Sherloc (09022015). Collection method: clinical testing. Allele origin: germline.
Comment: This sequence change creates a premature translational stop signal (p.His261Glnfs*7) in the SEMA4A gene. It is expected to result in an absent or disrupted protein product. However, the current clinical and genetic evidence is not sufficient to establish whether loss-of-function variants in SEMA4A cause disease. This variant is present in population databases (rs765450841, gnomAD 0.006%). This premature translational stop signal has been observed in individual(s) with clinical features of macular and cone/cone-rod dystrophy (PMID: 29555955). ClinVar contains an entry for this variant (Variation ID: 1005369). In summary, the available evidence is currently insufficient to determine the role of this variant in disease. Therefore, it has been classified as a Variant of Uncertain Significance.

Literature cited by the submitters: PubMed 29555955.